The following is an entry in ClinVar:

NM_017780.4(CHD7):c.5211-1G>C

Gene: CHD7 (chromodomain helicase DNA binding protein 7; plus strand). Cytogenetic location: 8q12.2.
Variant type: single nucleotide variant.
Coding change: c.5211-1G>C on transcript NM_017780.4 (MANE Select); the canonical splice acceptor site of the intron before coding-DNA position 5211, G replaced by C.
Molecular consequence: splice acceptor variant. On other transcripts: intron variant (1).
Genome position (GRCh38, 1-based): chr8:60,848,514, G>C. VCF-style: chr8-60848514-G-C. GRCh37 (hg19) VCF-style: chr8-61761073-G-C.
Other names: c.1717-13715G>C (NM_001316690.1).
Identifiers: ClinVar variation 411179 (VCV000411179.8), dbSNP rs1060503180, ClinGen allele CA16612520.

ClinVar aggregate classification (germline): Pathogenic. Review status: criteria provided, multiple submitters, no conflicts (2 of 4 stars). 2 submissions from 2 submitters: Pathogenic (2). Last evaluated 2023-11-26.

Conditions:
CHARGE syndrome (CHARGE). Also called: CHARGE ASSOCIATION--COLOBOMA, HEART ANOMALY, CHOANAL ATRESIA, RETARDATION, GENITAL AND EAR ANOMALIES; Coloboma, heart anomaly, choanal atresia, retardation, genital and ear anomalies; CHARGE association; Hall-Hittner syndrome; Hittner Hirsch Kreh syndrome. Identifiers: Orphanet 138, MedGen C0265354, MONDO:0008965.

Submissions (2):

Revvity Omics, Revvity
Classification: Pathogenic. Last evaluated: 2023-11-26. Review status: criteria provided, single submitter. Criteria: ACMG Guidelines, 2015. Collection method: clinical testing. Allele origin: germline.

Labcorp Genetics (formerly Invitae), Labcorp
Classification: Pathogenic for CHARGE syndrome. Last evaluated: 2016-05-22. Review status: criteria provided, single submitter. Criteria: Invitae Variant Classification Sherloc (09022015). Collection method: clinical testing. Allele origin: germline.
Comment: For these reasons, this variant has been classified as Pathogenic. Truncating variants in CHD7 are known to be pathogenic (PMID: 16400610, 22461308). This particular variant was reported in an individual with CHARGE syndrome (PMID: 22461308). This sequence change affects an acceptor splice site in intron 23 of the CHD7 gene. It is expected to disrupt mRNA splicing and likely results in an absent or disrupted protein product.

Literature cited by the submitters: PubMed 16400610 (cited by Labcorp Genetics (formerly Invitae), Labcorp); PubMed 22461308 (cited by Labcorp Genetics (formerly Invitae), Labcorp).